The following is an entry in ClinVar:

NM_001163809.2(WDR81):c.3688C>T (p.Arg1230Cys)

Gene: WDR81 (WD repeat domain 81; plus strand). Cytogenetic location: 17p13.3.
Variant type: single nucleotide variant.
Coding change: c.3688C>T on transcript NM_001163809.2 (MANE Select); coding-DNA position 3688, C replaced by T.
Protein change: p.Arg1230Cys; replaces arginine 1230 with cysteine.
Molecular consequence: missense variant.
Genome position (GRCh38, 1-based): chr17:1,730,400, C>T. VCF-style: chr17-1730400-C-T. GRCh37 (hg19) VCF-style: chr17-1633694-C-T.
Other names: c.79C>T, p.Arg27Cys (NM_001163673.2); c.7C>T, p.Arg3Cys (NM_001163811.2); c.535C>T, p.Arg179Cys (NM_152348.4); short protein forms R1230C, R3C, R27C, R179C.
Identifiers: ClinVar variation 754127 (VCV000754127.4), dbSNP rs146081272, ClinGen allele CA8273315.

ClinVar aggregate classification (germline): Likely benign. Review status: criteria provided, multiple submitters, no conflicts (2 of 4 stars). 2 submissions from 2 submitters: Likely benign (2). Last evaluated 2025-06-30.

Conditions:
WDR81-related disorder. Also called: WDR81-related condition.

Allele frequency attached by ClinVar (database versions not stated): gnomAD 0.00014 and 0.00022; gnomAD exomes 0.00014 and 0.00036; ESP Exome Variant Server 0.00023; TOPMed 0.00023; ExAC 0.00036; 1000 Genomes Project 30x 0.00172; 1000 Genomes Project 0.00200.
gnomAD v4.1: 236 of 1,612,914 alleles (0.015%); highest among the groups gnomAD compares: East Asian, 0.29%; no homozygotes.

Submissions (2):

PreventionGenetics, part of Exact Sciences
Classification: Likely benign for WDR81-related condition. Last evaluated: 2025-06-30. Review status: criteria provided, single submitter. Criteria: ACMG Guidelines, 2015. Collection method: clinical testing. Allele origin: germline.
Comment: This variant is classified as likely benign based on ACMG/AMP sequence variant interpretation guidelines (Richards et al. 2015 PMID: 25741868, with internal and published modifications).

Labcorp Genetics (formerly Invitae), Labcorp
Classification: Likely benign. Last evaluated: 2018-07-21. Review status: criteria provided, single submitter. Criteria: Invitae Variant Classification Sherloc (09022015). Collection method: clinical testing. Allele origin: germline.